The following is an entry in ClinVar:

ClinVar aggregate classification (germline): Uncertain significance (1 of 4 stars; one submission).

Submission:

Ambry Genetics
Classification: Uncertain significance. Last evaluated: 2021-11-10. Review status: criteria provided, single submitter. Criteria: Ambry Variant Classification Scheme 2023. Collection method: clinical testing. Allele origin: germline.
Comment: The p.H1253P variant (also known as c.3758A>C), located in coding exon 17 of the NPAT gene, results from an A to C substitution at nucleotide position 3758. The histidine at codon 1253 is replaced by proline, an amino acid with similar properties. This amino acid position is conserved. In addition, this alteration is predicted to be tolerated by in silico analysis. Since supporting evidence is limited at this time, the clinical significance of this alteration remains unclear.

NM_002519.3(NPAT):c.3758A>C (p.His1253Pro)

Gene: NPAT (nuclear protein, coactivator of histone transcription; minus strand). Cytogenetic location: 11q22.3.
Variant type: single nucleotide variant.
Coding change: c.3758A>C on transcript NM_002519.3 (MANE Select); coding-DNA position 3758, A replaced by C.
Protein change: p.His1253Pro; replaces histidine 1253 with proline.
Molecular consequence: missense variant.
Genome position (GRCh38, 1-based): chr11:108,161,328, T>G on the plus strand (A>C on the coding strand, the complement: NPAT is on the minus strand). VCF-style: chr11-108161328-T-G. GRCh37 (hg19) VCF-style: chr11-108032055-T-G.
Other names: c.3779A>C, p.His1260Pro (NM_001321307.1); short protein forms H1260P, H1253P.
Identifiers: ClinVar variation 1734610 (VCV001734610.2), dbSNP rs2496694766, ClinGen allele CA382510110.
Genomic context (GRCh38, chr11:108,161,328, plus strand): 5'-GAGCCAGGTGTCCGGGGCACAGGTAAATCACTACTATCAGCAAGCCTACTTACTGAGCTG[T>G]GCCTCTGTATATCCTGTAACATTTCTGTGGTAATCAAAGAACTGGCGGATTTAGTTTGTT-3'
Protein context (NP_002510.2, residues 1243-1263): TTEMLQDIQR[His1253Pro]SSVSRLADSS